The following is an entry in ClinVar:

NM_004817.4(TJP2):c.3557G>A (p.Arg1186Gln)

Gene: TJP2 (tight junction protein 2; plus strand). Cytogenetic location: 9q21.11.
Variant type: single nucleotide variant.
Coding change: c.3557G>A on transcript NM_004817.4 (MANE Select); coding-DNA position 3557, G replaced by A.
Protein change: p.Arg1186Gln; replaces arginine 1186 with glutamine.
Molecular consequence: missense variant.
Genome position (GRCh38, 1-based): chr9:69,254,358, G>A. VCF-style: chr9-69254358-G-A. GRCh37 (hg19) VCF-style: chr9-71869274-G-A.
Other names: c.3047G>A, p.Arg1016Gln (NM_001170414.2); c.3458G>A, p.Arg1153Gln (NM_001170415.1); c.3650G>A, p.Arg1217Gln (NM_001170416.2); c.3482G>A, p.Arg1161Gln (NM_001369870.1); c.3488G>A, p.Arg1163Gln (NM_001369871.1); c.3446G>A, p.Arg1149Gln (NM_001369872.1); c.3233G>A, p.Arg1078Gln (NM_001369873.1); c.3128G>A, p.Arg1043Gln (NM_001369874.1); and 3 more; short protein forms R1016Q, R1186Q, R1039Q, R1149Q, R1161Q, R1190Q, R1153Q, R1217Q.
Identifiers: ClinVar variation 165427 (VCV000165427.7), dbSNP rs201144827, ClinGen allele CA178202.
Genomic context (GRCh38, chr9:69,254,358, plus strand): 5'-ACCGCCAGCAGCTGTCAGAACACTCCAAGCGCGGTTACTATGGCCAGTCTGCCCGATACC[G>A]GGACACAGAATTATAGATGTCTGAGCACGGACTCTCCCAGGCCTGCCTGCATGGCATCAG-3'
Protein context (NP_004808.2, residues 1176-1190): RGYYGQSARY[Arg1186Gln]DTEL

ClinVar aggregate classification (germline): Uncertain significance. Review status: criteria provided, multiple submitters, no conflicts (2 of 4 stars). 3 submissions from 3 submitters: Uncertain significance (2). 1 of the submissions does not count toward it. Last evaluated 2022-01-13.

Conditions:
TJP2-related disorder. Also called: TJP2-related condition.
Hypercholanemia, familial 1 (FHCA1). Identifiers: Orphanet 238475, MedGen C5542604, MONDO:0031446, OMIM 607748.
Cholestasis, progressive familial intrahepatic, 4. Identifiers: Orphanet 480483, Orphanet 79304, MedGen C2931067, MONDO:0014381, OMIM 615878.

Allele frequency attached by ClinVar (database versions not stated): ExAC 0.00003; gnomAD 0.00003; TOPMed 0.00003; gnomAD exomes 0.00004 and 0.00007; ESP Exome Variant Server 0.00015.
gnomAD v4.1: 113 of 1,614,056 alleles (0.007%); highest among the groups gnomAD compares: Middle Eastern, 0.099%; no homozygotes.

Submissions (3):

Fulgent Genetics
Classification: Uncertain significance for Hypercholanemia, familial 1; Cholestasis, progressive familial intrahepatic, 4. Last evaluated: 2022-01-13. Review status: criteria provided, single submitter. Criteria: ACMG Guidelines, 2015. Collection method: clinical testing. Allele origin: unknown.

Laboratory for Molecular Medicine, Mass General Brigham Personalized Medicine
Classification: Uncertain significance. Last evaluated: 2014-11-10. Review status: criteria provided, single submitter. Criteria: LMM Criteria. Collection method: clinical testing. Allele origin: germline. Observed: 1 variant allele.
Comment: The p.Arg1016Gln variant in TJP2 has not been previously reported in individuals with hearing loss, but has been identified in 2/8600 of European American chrom osomes by the NHLBI Exome Sequencing Project (dbSNP rs201144827). Although this variant has been seen in the general populat ion, its frequency is not high enough to rule out a pathogenic role. Computation al prediction tools and conservation analyses do not provide strong support for or against an impact to the protein. In summary, the clinical significance of th e p.Arg1016Gln variant is uncertain.

PreventionGenetics, part of Exact Sciences
Classification: Uncertain significance for TJP2-related condition. Last evaluated: 2024-07-31. Review status: no assertion criteria provided. Collection method: clinical testing. Allele origin: germline. Not counted in ClinVar's aggregate classification.
Comment: The TJP2 c.3557G>A variant is predicted to result in the amino acid substitution p.Arg1186Gln. To our knowledge, this variant has not been reported in the literature. This variant is reported in 0.0070% of alleles in individuals of European (Non-Finnish) descent in gnomAD. At this time, the clinical significance of this variant is uncertain due to the absence of conclusive functional and genetic evidence.